The following is an entry in ClinVar:

ClinVar aggregate classification (germline): Uncertain significance. Review status: criteria provided, single submitter (1 of 4 stars). 2 submissions from 2 submitters: Uncertain significance (1). 1 of the submissions does not count toward it. Last evaluated 2022-07-11.

Conditions:
Neuromuscular disease caused by qualitative or quantitative defects of dysferlin. Also called: Dysferlinopathy; Qualitative or quantitative defects of dysferlin. Identifiers: Orphanet 207073, MedGen C2931687, MONDO:0016145.
Autosomal recessive limb-girdle muscular dystrophy type 2B (LGMDR2). Also called: Limb-girdle muscular dystrophy, type 2B; MUSCULAR DYSTROPHY, LIMB-GIRDLE, TYPE 3; MUSCULAR DYSTROPHY, LIMB-GIRDLE, AUTOSOMAL RECESSIVE 2; Limb-Girdle Muscular Dystrophy Type 2B (LGMD2B). Identifiers: Orphanet 268, MedGen C1850889, MONDO:0009676, OMIM 253601.

Allele frequency attached by ClinVar (database versions not stated): gnomAD 0.00001 and 0.00002; ExAC 0.00002; gnomAD exomes 0.00002; TOPMed 0.00004; 1000 Genomes Project 30x 0.00016; 1000 Genomes Project 0.00020.
gnomAD v4.1: 30 of 1,614,110 alleles (0.0019%); highest among the groups gnomAD compares: Admixed American, 0.0067%; no homozygotes.

Submissions (2):

Labcorp Genetics (formerly Invitae), Labcorp
Classification: Uncertain significance for Neuromuscular disease caused by qualitative or quantitative defects of dysferlin. Last evaluated: 2022-07-11. Review status: criteria provided, single submitter. Criteria: Invitae Variant Classification Sherloc (09022015). Collection method: clinical testing. Allele origin: germline.
Comment: This sequence change replaces proline, which is neutral and non-polar, with leucine, which is neutral and non-polar, at codon 1247 of the DYSF protein (p.Pro1247Leu). This variant is present in population databases (rs539141161, gnomAD 0.01%). This variant has not been reported in the literature in individuals affected with DYSF-related conditions. ClinVar contains an entry for this variant (Variation ID: 471300). Algorithms developed to predict the effect of missense changes on protein structure and function are either unavailable or do not agree on the potential impact of this missense change (SIFT: "Tolerated"; PolyPhen-2: "Possibly Damaging"; Align-GVGD: "Class C0"). In summary, the available evidence is currently insufficient to determine the role of this variant in disease. Therefore, it has been classified as a Variant of Uncertain Significance.

Natera, Inc.
Classification: Uncertain significance for Limb-girdle muscular dystrophy type 2B. Last evaluated: 2019-10-28. Review status: no assertion criteria provided. Collection method: clinical testing. Allele origin: germline. Not counted in ClinVar's aggregate classification.

NM_001130987.2(DYSF):c.3794C>T (p.Pro1265Leu)

Gene: DYSF (dysferlin; plus strand). Cytogenetic location: 2p13.2.
Variant type: single nucleotide variant.
Coding change: c.3794C>T on transcript NM_001130987.2 (MANE Select); coding-DNA position 3794, C replaced by T.
Protein change: p.Pro1265Leu; replaces proline 1265 with leucine.
Molecular consequence: missense variant.
Genome position (GRCh38, 1-based): chr2:71,600,739, C>T. VCF-style: chr2-71600739-C-T. GRCh37 (hg19) VCF-style: chr2-71827869-C-T.
Other names: c.3743C>T, p.Pro1248Leu (NM_001130455.2, NM_001130983.2); c.3698C>T, p.Pro1233Leu (NM_001130976.2, NM_001130977.2); c.3740C>T, p.Pro1247Leu (NM_001130978.2, NM_003494.4); c.3833C>T, p.Pro1278Leu (NM_001130979.2); c.3791C>T, p.Pro1264Leu (NM_001130980.2, NM_001130981.2); c.3836C>T, p.Pro1279Leu (NM_001130982.2); c.3701C>T, p.Pro1234Leu (NM_001130984.2, NM_001130986.2); c.3794C>T, p.Pro1265Leu (NM_001130985.2); short protein forms P1247L, P1265L, P1264L, P1278L, P1233L, P1248L, P1279L, P1234L.
Identifiers: ClinVar variation 471300 (VCV000471300.9), dbSNP rs539141161, ClinGen allele CA1706710.